The following is an entry in ClinVar:

NM_000379.4(XDH):c.349A>T (p.Thr117Ser)

Gene: XDH (xanthine dehydrogenase; minus strand). Cytogenetic location: 2p23.1.
Variant type: single nucleotide variant.
Coding change: c.349A>T on transcript NM_000379.4 (MANE Select); coding-DNA position 349, A replaced by T.
Protein change: p.Thr117Ser; replaces threonine 117 with serine.
Molecular consequence: missense variant.
Genome position (GRCh38, 1-based): chr2:31,398,657, T>A on the plus strand (A>T on the coding strand, the complement: XDH is on the minus strand). VCF-style: chr2-31398657-T-A. GRCh37 (hg19) VCF-style: chr2-31621523-T-A.
Other names: short protein forms T117S.
Identifiers: ClinVar variation 897596 (VCV000897596.13), dbSNP rs556797607, ClinGen allele CA1599671.

ClinVar aggregate classification (germline): Uncertain significance. Review status: criteria provided, multiple submitters, no conflicts (2 of 4 stars). 3 submissions from 3 submitters: Uncertain significance (3). Last evaluated 2024-10-16.

Conditions:
Xanthinuria type II. Also called: Xanthine dehydrogenase and aldehyde oxidase combined deficiency of; XDH and AOX dual deficiency. Identifiers: Orphanet 3467, Orphanet 93602, MedGen C1863688, MONDO:0011346, OMIM 603592.
Hereditary xanthinuria type 1 (XAN1). Identifiers: Orphanet 3467, Orphanet 93601, MedGen C0268118, MONDO:0010209, OMIM 278300.

Allele frequency attached by ClinVar (database versions not stated): ExAC 0.00013; TOPMed 0.00014; gnomAD 0.00016 and 0.00017; 1000 Genomes Project 0.00020; 1000 Genomes Project 30x 0.00031.
gnomAD v4.1: 317 of 1,614,116 alleles (0.02%); highest among the groups gnomAD compares: Non-Finnish European, 0.025%; no homozygotes.

Submissions (3):

Labcorp Genetics (formerly Invitae), Labcorp
Classification: Uncertain significance for Xanthinuria type II. Last evaluated: 2024-10-16. Review status: criteria provided, single submitter. Criteria: Invitae Variant Classification Sherloc (09022015). Collection method: clinical testing. Allele origin: germline.
Comment: This sequence change replaces threonine, which is neutral and polar, with serine, which is neutral and polar, at codon 117 of the XDH protein (p.Thr117Ser). This variant is present in population databases (rs556797607, gnomAD 0.02%). This missense change has been observed in individual(s) with Crohn's disease (PMID: 27703193). ClinVar contains an entry for this variant (Variation ID: 897596). An algorithm developed to predict the effect of missense changes on protein structure and function (PolyPhen-2) suggests that this variant is likely to be disruptive. In summary, the available evidence is currently insufficient to determine the role of this variant in disease. Therefore, it has been classified as a Variant of Uncertain Significance.

Fulgent Genetics
Classification: Uncertain significance for Hereditary xanthinuria type 1. Last evaluated: 2024-01-13. Review status: criteria provided, single submitter. Criteria: ACMG Guidelines, 2015. Collection method: clinical testing. Allele origin: germline.

Illumina Laboratory Services, Illumina
Classification: Uncertain significance for Hereditary xanthinuria type 1. Last evaluated: 2018-01-13. Review status: criteria provided, single submitter. Criteria: ICSL Variant Classification Criteria 13 December 2019. Collection method: clinical testing. Allele origin: germline.

Literature cited by the submitters: PubMed 27703193 (cited by Labcorp Genetics (formerly Invitae), Labcorp).